The following is an entry in ClinVar:

ClinVar aggregate classification (germline): Pathogenic (1 of 4 stars; one submission).

Conditions:
Multiple endocrine neoplasia, type 1 (MEN1). Also called: MEN I; WERMER SYNDROME; Endocrine adenomatosis multiple; MEN 1; MEA I. Identifiers: Orphanet 652, MedGen C0025267, MeSH D018761, MONDO:0007540, OMIM 131100.

Submission:

Labcorp Genetics (formerly Invitae), Labcorp
Classification: Pathogenic for Multiple endocrine neoplasia, type 1. Last evaluated: 2023-11-06. Review status: criteria provided, single submitter. Criteria: Invitae Variant Classification Sherloc (09022015). Collection method: clinical testing. Allele origin: germline.
Comment: This sequence change creates a premature translational stop signal (p.Glu448*) in the MEN1 gene. While this is not anticipated to result in nonsense mediated decay, it is expected to disrupt the last 163 amino acid(s) of the MEN1 protein. This variant is not present in population databases (gnomAD no frequency). This variant has not been reported in the literature in individuals affected with MEN1-related conditions. Algorithms developed to predict the effect of sequence changes on RNA splicing suggest that this variant may disrupt the consensus splice site. This variant disrupts a region of the MEN1 protein in which other variant(s) (p.Thr580Argfs*8) have been determined to be pathogenic (Invitae). This suggests that this is a clinically significant region of the protein, and that variants that disrupt it are likely to be disease-causing. For these reasons, this variant has been classified as Pathogenic.

NM_001370259.2(MEN1):c.1337dup (p.Phe447_Glu448insTer)

Gene: MEN1 (menin 1; minus strand). Cytogenetic location: 11q13.1.
Variant type: Duplication.
Coding change: c.1337dup on transcript NM_001370259.2 (MANE Select); coding-DNA position 1337, one base duplicated (G; older notation c.1337dupG).
Protein change: p.Phe447_Glu448insTer.
Molecular consequence: frameshift variant. On other transcripts: non-coding transcript variant (4), intron variant (1).
Genome position (GRCh38, 1-based): chr11:64,805,047, C duplicated on the plus strand (G on the coding strand, the reverse complement: MEN1 is on the minus strand). VCF-style (leftmost placement, unchanged base first): chr11-64805046-A-AC. GRCh37 (hg19) VCF-style: chr11-64572518-A-AC.
Other names: c.1352dup, p.Phe452_Glu453insTer (NM_130803.3, NM_130804.3, NM_000244.4 and 4 more transcripts); c.1186-231dup (NM_001407152.1); c.1463dup, p.Phe489_Glu490insTer (NM_001370251.2, NM_001407142.1, NM_001407143.1 and 1 more transcripts); c.1337dup, p.Phe447_Glu448insTer (NM_001370260.2, NM_001370261.2, NM_001407146.1 and 2 more transcripts); c.1232dup, p.Phe412_Glu413insTer (NM_001370262.2, NM_001370263.2, NM_001407148.1 and 1 more transcripts); c.1478dup, p.Phe494_Glu495insTer (NM_001407150.1); c.1358dup, p.Phe454_Glu455insTer (NM_001407151.1).
Identifiers: ClinVar variation 2693589 (VCV002693589.3), dbSNP rs2497141018, ClinGen allele CA2697548657.